The following is an entry in ClinVar:

ClinVar aggregate classification (germline): Uncertain significance (1 of 4 stars; one submission).

Conditions:
Hereditary cancer-predisposing syndrome. Also called: Neoplastic Syndromes, Hereditary; Tumor predisposition; Hereditary Cancer Syndrome; Hereditary neoplastic syndrome. Identifiers: Orphanet 140162, MedGen C0027672, MeSH D009386, MONDO:0015356.

Allele frequency attached by ClinVar (database versions not stated): gnomAD exomes below 0.00001.
gnomAD v4.1: 1 of 1,611,762 alleles (0.000062%); highest among the groups gnomAD compares: Non-Finnish European, 0.000085%; no homozygotes.

Submission:

Ambry Genetics
Classification: Uncertain significance for Hereditary cancer-predisposing syndrome. Last evaluated: 2024-05-17. Review status: criteria provided, single submitter. Criteria: Ambry Variant Classification Scheme 2023. Collection method: clinical testing. Allele origin: germline.
Comment: The p.D627E variant (also known as c.1881C>G), located in coding exon 12 of the RAD50 gene, results from a C to G substitution at nucleotide position 1881. The aspartic acid at codon 627 is replaced by glutamic acid, an amino acid with highly similar properties. This amino acid position is well conserved in available vertebrate species. In addition, this alteration is predicted to be tolerated by in silico analysis. Since supporting evidence is limited at this time, the clinical significance of this alteration remains unclear.

NM_005732.4(RAD50):c.1881C>G (p.Asp627Glu)

Gene: RAD50 (RAD50 double strand break repair protein; plus strand). Cytogenetic location: 5q31.1.
Variant type: single nucleotide variant.
Coding change: c.1881C>G on transcript NM_005732.4 (MANE Select); coding-DNA position 1881, C replaced by G.
Protein change: p.Asp627Glu; replaces aspartic acid 627 with glutamic acid.
Molecular consequence: missense variant.
Genome position (GRCh38, 1-based): chr5:132,594,956, C>G. VCF-style: chr5-132594956-C-G. GRCh37 (hg19) VCF-style: chr5-131930648-C-G.
Other names: short protein forms D627E.
Identifiers: ClinVar variation 820239 (VCV000820239.5), dbSNP rs1580996478, ClinGen allele CA360947965.